The following is an entry in ClinVar:

ClinVar aggregate classification (germline): Uncertain significance (1 of 4 stars; one submission).

Submission:

Women's Health and Genetics/Laboratory Corporation of America, LabCorp
Classification: Uncertain significance. Last evaluated: 2025-04-11. Review status: criteria provided, single submitter. Criteria: LabCorp Variant Classification Summary - May 2015. Collection method: clinical testing. Allele origin: germline.
Comment: Variant summary: CHD3 c.272G>C (p.Gly91Ala) results in a non-conservative amino acid change in the encoded protein sequence. Three of five in-silico tools predict a benign effect of the variant on protein function. The variant was absent in 246852 control chromosomes. The available data on variant occurrences in the general population are insufficient to allow any conclusion about variant significance. To our knowledge, no occurrence of c.272G>C in individuals affected with Snijders Blok-Campeau Syndrome and no experimental evidence demonstrating its impact on protein function have been reported. No submitters have cited clinical-significance assessments for this variant to ClinVar. Based on the evidence outlined above, the variant was classified as uncertain significance.

NM_001005273.3(CHD3):c.272G>C (p.Gly91Ala)

Gene: CHD3 (chromodomain helicase DNA binding protein 3; plus strand). Cytogenetic location: 17p13.1.
Variant type: single nucleotide variant.
Coding change: c.272G>C on transcript NM_001005273.3 (MANE Select); coding-DNA position 272, G replaced by C.
Protein change: p.Gly91Ala; replaces glycine 91 with alanine.
Molecular consequence: missense variant.
Genome position (GRCh38, 1-based): chr17:7,890,629, G>C. VCF-style: chr17-7890629-G-C. GRCh37 (hg19) VCF-style: chr17-7793947-G-C.
Other names: c.449G>C, p.Gly150Ala (NM_001005271.3); c.272G>C, p.Gly91Ala (NM_005852.4); short protein forms G150A, G91A.
Identifiers: ClinVar variation 3896333 (VCV003896333.2).